The following is an entry in ClinVar:

NM_000282.4(PCCA):c.437T>C (p.Leu146Pro)

Gene: PCCA (propionyl-CoA carboxylase subunit alpha; plus strand). Cytogenetic location: 13q32.3.
Variant type: single nucleotide variant.
Coding change: c.437T>C on transcript NM_000282.4 (MANE Select); coding-DNA position 437, T replaced by C.
Protein change: p.Leu146Pro; replaces leucine 146 with proline.
Molecular consequence: missense variant. On other transcripts: 5 prime UTR variant (3), non-coding transcript variant (5).
Genome position (GRCh38, 1-based): chr13:100,157,309, T>C. VCF-style: chr13-100157309-T-C. GRCh37 (hg19) VCF-style: chr13-100809563-T-C.
Other names: p.L146P:CTT>CCT; c.359T>C, p.Leu120Pro (NM_001127692.3, NM_001352607.2, NM_001352608.2); c.437T>C, p.Leu146Pro (NM_001178004.2, NM_001352605.2, NM_001352606.2 and 1 more transcripts); c.-430T>C (NM_001352610.2, NM_001352611.2, NM_001352612.2); short protein forms L146P, L120P.
Identifiers: ClinVar variation 203875 (VCV000203875.6), dbSNP rs774457925, ClinGen allele CA312810.

ClinVar aggregate classification (germline): Conflicting classifications of pathogenicity. Review status: criteria provided, conflicting classifications (1 of 4 stars). 3 submissions from 3 submitters: Likely pathogenic (1); Uncertain significance (2). Last evaluated 2024-01-31.

Conditions:
Propionic acidemia (PROP). Also called: GLYCINEMIA, KETOTIC; HYPERGLYCINEMIA WITH KETOACIDOSIS AND LEUKOPENIA; KETOTIC HYPERGLYCINEMIA. Identifiers: Orphanet 35, MedGen C0268579, MONDO:0011628, OMIM 606054, HP:0003571.

Allele frequency attached by ClinVar (database versions not stated): ExAC 0.00001; gnomAD exomes 0.00001.

Submissions (3):

Labcorp Genetics (formerly Invitae), Labcorp
Classification: Uncertain significance for Propionic acidemia. Last evaluated: 2024-01-31. Review status: criteria provided, single submitter. Criteria: Invitae Variant Classification Sherloc (09022015). Collection method: clinical testing. Allele origin: germline.
Comment: This sequence change replaces leucine, which is neutral and non-polar, with proline, which is neutral and non-polar, at codon 146 of the PCCA protein (p.Leu146Pro). This variant is present in population databases (rs774457925, gnomAD 0.009%). This missense change has been observed in individual(s) with propionic acidemia (Invitae). ClinVar contains an entry for this variant (Variation ID: 203875). Advanced modeling of protein sequence and biophysical properties (such as structural, functional, and spatial information, amino acid conservation, physicochemical variation, residue mobility, and thermodynamic stability) has been performed at Invitae for this missense variant, however the output from this modeling did not meet the statistical confidence thresholds required to predict the impact of this variant on PCCA protein function. In summary, the available evidence is currently insufficient to determine the role of this variant in disease. Therefore, it has been classified as a Variant of Uncertain Significance.

Women's Health and Genetics/Laboratory Corporation of America, LabCorp
Classification: Uncertain significance. Last evaluated: 2020-11-10. Review status: criteria provided, single submitter. Criteria: LabCorp Variant Classification Summary - May 2015. Collection method: clinical testing. Allele origin: germline.
Comment: Variant summary: PCCA c.437T>C (p.Leu146Pro) results in a non-conservative amino acid change located in the Biotin carboxylase-like, N-terminal domain (IPR005481) of the encoded protein sequence. Five of five in-silico tools predict a damaging effect of the variant on protein function. The variant allele was found at a frequency of 1.2e-05 in 251170 control chromosomes (gnomAD). The available data on variant occurrences in the general population are insufficient to allow any conclusion about variant significance. To our knowledge, no occurrence of c.437T>C in individuals affected with Propionic Acidemia and no experimental evidence demonstrating its impact on protein function have been reported. No clinical diagnostic laboratories have submitted clinical-significance assessments for this variant to ClinVar after 2014. Based on the evidence outlined above, the variant was classified as uncertain significance.

GeneDx
Classification: Likely pathogenic. Last evaluated: 2014-01-30. Review status: criteria provided, single submitter. Criteria: GeneDx Variant Classification (06012015). Collection method: clinical testing. Allele origin: germline. Affected: yes.
Comment: p.Leu146Pro (CTT>CCT): c.437 T>C in exon 6 of the PCCA gene (NM_000282.3) The L146P missense change in the PCCA gene has not been published as a mutation, nor has it been reported as a benign polymorphism to our knowledge. The L146P variant is a semi-conservative amino acid substitution as these residues share similar properties, but differ in size, charge, or other properties which may impact secondary structure. This substitution occurs at a highly conserved position in the PCCA protein, and multiple in-silico analysis programs predict that L146P is damaging to the PCCA protein. Therefore, L146P is a strong candidate for a disease-causing mutation, however the possibility that it is a benign variant cannot be excluded. The variant is found in UCD-MET panel(s).